The following is an entry in ClinVar:

NM_001613.4(ACTA2):c.763G>A (p.Glu255Lys)

Genes: ACTA2 (actin alpha 2, smooth muscle; minus strand), ACTA2-AS1 (ACTA2 antisense RNA 1; plus strand). Cytogenetic location: 10q23.31.
Variant type: single nucleotide variant.
Coding change: c.763G>A on transcript NM_001613.4 (MANE Select); coding-DNA position 763, G replaced by A.
Protein change: p.Glu255Lys; replaces glutamic acid 255 with lysine.
Molecular consequence: missense variant. On other transcripts: non-coding transcript variant (1).
Genome position (GRCh38, 1-based): chr10:88,939,552, C>T on the plus strand (G>A on the coding strand, the complement: ACTA2 is on the minus strand). VCF-style: chr10-88939552-C-T. GRCh37 (hg19) VCF-style: chr10-90699309-C-T.
Other names: p.E255K:GAA>AAA; c.763G>A, p.Glu255Lys (NM_001141945.3, NM_001320855.2, NM_001406462.1 and 2 more transcripts); c.652G>A, p.Glu218Lys (NM_001406466.1); c.634G>A, p.Glu212Lys (NM_001406467.1, NM_001406468.1, NM_001406469.1); short protein forms E255K, E218K, E212K.
Identifiers: ClinVar variation 199674 (VCV000199674.15), dbSNP rs794728027, ClinGen allele CA007012.

ClinVar aggregate classification (germline): Uncertain significance. Review status: criteria provided, multiple submitters, no conflicts (2 of 4 stars). 3 submissions from 3 submitters: Uncertain significance (3). Last evaluated 2025-09-10.

Conditions:
Familial thoracic aortic aneurysm and aortic dissection (TAAD). Also called: Thoracic aortic aneurysms and dissections. Identifiers: Orphanet 91387, MedGen C4707243, MONDO:0019625.
Aortic aneurysm, familial thoracic 6 (AAT6). Also called: FAMILIAL THORACIC AORTIC ANEURYSM WITH LIVEDO RETICULARIS AND IRIS FLOCCULI. Identifiers: MedGen C2673186, MONDO:0012730, OMIM 611788.

Submissions (3):

Labcorp Genetics (formerly Invitae), Labcorp
Classification: Uncertain significance for Aortic aneurysm, familial thoracic 6. Last evaluated: 2025-09-10. Review status: criteria provided, single submitter. Criteria: Invitae Variant Classification Sherloc (09022015). Collection method: clinical testing. Allele origin: germline.
Comment: This sequence change replaces glutamic acid, which is acidic and polar, with lysine, which is basic and polar, at codon 255 of the ACTA2 protein (p.Glu255Lys). This variant is not present in population databases (gnomAD no frequency). This missense change has been observed in individual(s) with thoracic aortic dissection (internal data). ClinVar contains an entry for this variant (Variation ID: 199674). Invitae Evidence Modeling of protein sequence and biophysical properties (such as structural, functional, and spatial information, amino acid conservation, physicochemical variation, residue mobility, and thermodynamic stability) indicates that this missense variant is not expected to disrupt ACTA2 protein function with a negative predictive value of 80%. In summary, the available evidence is currently insufficient to determine the role of this variant in disease. Therefore, it has been classified as a Variant of Uncertain Significance.

GeneDx
Classification: Uncertain significance. Last evaluated: 2025-06-23. Review status: criteria provided, single submitter. Criteria: GeneDx Variant Classification Process June 2021. Collection method: clinical testing. Allele origin: germline. Affected: yes.
Comment: Not observed at significant frequency in large population cohorts (gnomAD); In silico analysis supports that this missense variant has a deleterious effect on protein structure/function; Has not been previously published as pathogenic or benign to our knowledge

Ambry Genetics
Classification: Uncertain significance for Familial thoracic aortic aneurysm and aortic dissection. Last evaluated: 2024-05-17. Review status: criteria provided, single submitter. Criteria: Ambry Variant Classification Scheme 2023. Collection method: clinical testing. Allele origin: germline.
Comment: The p.E255K variant (also known as c.763G>A), located in coding exon 6 of the ACTA2 gene, results from a G to A substitution at nucleotide position 763. The glutamic acid at codon 255 is replaced by lysine, an amino acid with similar properties. This amino acid position is conserved. In addition, this alteration is predicted to be deleterious by in silico analysis. Since supporting evidence is limited at this time, the clinical significance of this alteration remains unclear.